The following is an entry in ClinVar:

NM_003978.5(PSTPIP1):c.718A>C (p.Met240Leu)

Gene: PSTPIP1 (proline-serine-threonine phosphatase interacting protein 1; plus strand). Cytogenetic location: 15q24.3.
Variant type: single nucleotide variant.
Coding change: c.718A>C on transcript NM_003978.5 (MANE Select); coding-DNA position 718, A replaced by C.
Protein change: p.Met240Leu; replaces methionine 240 with leucine.
Molecular consequence: missense variant. On other transcripts: non-coding transcript variant (1).
Genome position (GRCh38, 1-based): chr15:77,031,255, A>C. VCF-style: chr15-77031255-A-C. GRCh37 (hg19) VCF-style: chr15-77323596-A-C.
Other names: c.718A>C, p.Met240Leu (NM_001321135.2); c.691A>C, p.Met231Leu (NM_001321136.2); c.913A>C, p.Met305Leu (NM_001321137.1); short protein forms M240L, M231L, M305L.
Identifiers: ClinVar variation 1038394 (VCV001038394.6), dbSNP rs1350794252, ClinGen allele CA393520965.

ClinVar aggregate classification (germline): Uncertain significance (1 of 4 stars; one submission).

Conditions:
Pyogenic arthritis-pyoderma gangrenosum-acne syndrome (PAPA). Also called: PAPA SYNDROME; FAMILIAL RECURRENT ARTHRITIS. Identifiers: Orphanet 69126, MedGen C1858361, MONDO:0011462, OMIM 604416.

Submission:

Labcorp Genetics (formerly Invitae), Labcorp
Classification: Uncertain significance for Pyogenic arthritis-pyoderma gangrenosum-acne syndrome. Last evaluated: 2022-11-08. Review status: criteria provided, single submitter. Criteria: Invitae Variant Classification Sherloc (09022015). Collection method: clinical testing. Allele origin: germline.
Comment: In summary, the available evidence is currently insufficient to determine the role of this variant in disease. Therefore, it has been classified as a Variant of Uncertain Significance. Advanced modeling of protein sequence and biophysical properties (such as structural, functional, and spatial information, amino acid conservation, physicochemical variation, residue mobility, and thermodynamic stability) performed at Invitae indicates that this missense variant is not expected to disrupt PSTPIP1 protein function. ClinVar contains an entry for this variant (Variation ID: 1038394). This variant has not been reported in the literature in individuals affected with PSTPIP1-related conditions. This variant is not present in population databases (gnomAD no frequency). This sequence change replaces methionine, which is neutral and non-polar, with leucine, which is neutral and non-polar, at codon 240 of the PSTPIP1 protein (p.Met240Leu).